The following is an entry in ClinVar:

ClinVar aggregate classification (germline): Uncertain significance. Review status: criteria provided, multiple submitters, no conflicts (2 of 4 stars). 2 submissions from 2 submitters: Uncertain significance (2). Last evaluated 2022-11-26.

Allele frequency attached by ClinVar (database versions not stated): gnomAD 0.00003; ExAC 0.00001; gnomAD exomes 0.00002; TOPMed 0.00005; ESP Exome Variant Server 0.00008.
gnomAD v4.1: 28 of 1,613,822 alleles (0.0017%); highest among the groups gnomAD compares: East Asian, 0.0067%; no homozygotes.

Submissions (2):

Labcorp Genetics (formerly Invitae), Labcorp
Classification: Uncertain significance. Last evaluated: 2022-11-26. Review status: criteria provided, single submitter. Criteria: Invitae Variant Classification Sherloc (09022015). Collection method: clinical testing. Allele origin: germline.
Comment: In summary, the available evidence is currently insufficient to determine the role of this variant in disease. Therefore, it has been classified as a Variant of Uncertain Significance. Algorithms developed to predict the effect of missense changes on protein structure and function (SIFT, PolyPhen-2, Align-GVGD) all suggest that this variant is likely to be disruptive. This variant has not been reported in the literature in individuals affected with CAPN5-related conditions. This variant is present in population databases (rs143467039, gnomAD 0.004%). This sequence change replaces arginine, which is basic and polar, with cysteine, which is neutral and slightly polar, at codon 414 of the CAPN5 protein (p.Arg414Cys).

Blueprint Genetics
Classification: Uncertain significance. Last evaluated: 2022-01-11. Review status: criteria provided, single submitter. Criteria: ACMG Guidelines, 2015. Collection method: clinical testing. Allele origin: germline.

NM_004055.5(CAPN5):c.1240C>T (p.Arg414Cys)

Gene: CAPN5 (calpain 5; plus strand). Cytogenetic location: 11q13.5.
Variant type: single nucleotide variant.
Coding change: c.1240C>T on transcript NM_004055.5 (MANE Select); coding-DNA position 1240, C replaced by T.
Protein change: p.Arg414Cys; replaces arginine 414 with cysteine.
Molecular consequence: missense variant.
Genome position (GRCh38, 1-based): chr11:77,119,102, C>T. VCF-style: chr11-77119102-C-T. GRCh37 (hg19) VCF-style: chr11-76830148-C-T.
Other names: c.1360C>T, p.Arg454Cys (NM_001425321.1); c.1240C>T, p.Arg414Cys (NM_001425322.1); c.1108C>T, p.Arg370Cys (NM_001425323.1); short protein forms R370C, R414C, R454C.
Identifiers: ClinVar variation 3010737 (VCV003010737.4), dbSNP rs143467039, ClinGen allele CA6196735.
Genomic context (GRCh38, chr11:77,119,102, plus strand): 5'-GTCAAGAAGCCAGAAGATGAAGTCCTGATCTGCATCCAGCAGCGGCCAAAGCGGTCTACG[C>T]GCCGGGAGGGCAAGGGTGAGAACCTGGCCATTGGCTTTGACATCTACAAGGTGAGGCCAG-3'
Protein context (NP_004046.2, residues 404-424): CIQQRPKRST[Arg414Cys]REGKGENLAI